The following is an entry in ClinVar:

ClinVar aggregate classification (germline): Uncertain significance. Review status: criteria provided, multiple submitters, no conflicts (2 of 4 stars). 5 submissions from 5 submitters: Uncertain significance (5). Last evaluated 2026-03-31.

Conditions:
LOXHD1-related disorder. Also called: LOXHD1-related condition.
Inborn genetic diseases. Identifiers: MedGen C0950123, MeSH D030342.
Autosomal recessive nonsyndromic hearing loss 77. Identifiers: Orphanet 90636, MedGen C2746083, MONDO:0013119, OMIM 613079.

Allele frequency attached by ClinVar (database versions not stated): gnomAD 0.00030 and 0.00031; TOPMed 0.00034; ESP Exome Variant Server 0.00066; ExAC 0.00022.
gnomAD v4.1: 628 of 1,551,410 alleles (0.04%); highest among the groups gnomAD compares: Non-Finnish European, 0.052%; no homozygotes.

Submissions (5):

PreventionGenetics, part of Exact Sciences
Classification: Uncertain significance for LOXHD1-related condition. Last evaluated: 2026-03-31. Review status: criteria provided, single submitter. Criteria: ACMG Guidelines, 2015. Collection method: clinical testing. Allele origin: germline.
Comment: The LOXHD1 c.4504C>T variant is predicted to result in the amino acid substitution p.Arg1502Trp. To our knowledge, this variant has not been reported in the literature. This variant is reported in 0.055% of alleles in individuals of European (Non-Finnish) descent in gnomAD. Although we suspect that this variant may be benign, at this time, the clinical significance of this variant is uncertain due to the absence of conclusive functional and genetic evidence.

Blueprint Genetics
Classification: Uncertain significance. Last evaluated: 2024-10-30. Review status: criteria provided, single submitter. Criteria: ACMG Guidelines, 2015. Collection method: clinical testing. Allele origin: germline.

Labcorp Genetics (formerly Invitae), Labcorp
Classification: Uncertain significance. Last evaluated: 2022-04-08. Review status: criteria provided, single submitter. Criteria: Invitae Variant Classification Sherloc (09022015). Collection method: clinical testing. Allele origin: germline.
Comment: This sequence change replaces arginine, which is basic and polar, with tryptophan, which is neutral and slightly polar, at codon 1502 of the LOXHD1 protein (p.Arg1502Trp). This variant is present in population databases (rs200819355, gnomAD 0.05%). This variant has not been reported in the literature in individuals affected with LOXHD1-related conditions. ClinVar contains an entry for this variant (Variation ID: 891651). Algorithms developed to predict the effect of missense changes on protein structure and function are either unavailable or do not agree on the potential impact of this missense change (SIFT: "Deleterious"; PolyPhen-2: "Probably Damaging"; Align-GVGD: "Class C0"). In summary, the available evidence is currently insufficient to determine the role of this variant in disease. Therefore, it has been classified as a Variant of Uncertain Significance.

Ambry Genetics
Classification: Uncertain significance for Inborn genetic diseases. Last evaluated: 2021-08-09. Review status: criteria provided, single submitter. Criteria: Ambry Variant Classification Scheme 2023. Collection method: clinical testing. Allele origin: germline.

Illumina Laboratory Services, Illumina
Classification: Uncertain significance for Autosomal recessive nonsyndromic hearing loss 77. Last evaluated: 2018-01-13. Review status: criteria provided, single submitter. Criteria: ICSL Variant Classification Criteria 13 December 2019. Collection method: clinical testing. Allele origin: germline.

NM_001384474.1(LOXHD1):c.4504C>T (p.Arg1502Trp)

Gene: LOXHD1 (lipoxygenase homology PLAT domains 1; minus strand). Cytogenetic location: 18q21.1.
Variant type: single nucleotide variant.
Coding change: c.4504C>T on transcript NM_001384474.1 (MANE Select); coding-DNA position 4504, C replaced by T.
Protein change: p.Arg1502Trp; replaces arginine 1502 with tryptophan.
Molecular consequence: missense variant.
Genome position (GRCh38, 1-based): chr18:46,529,203, G>A on the plus strand (C>T on the coding strand, the complement: LOXHD1 is on the minus strand). VCF-style: chr18-46529203-G-A. GRCh37 (hg19) VCF-style: chr18-44109166-G-A.
Other names: c.1171C>T, p.Arg391Trp (NM_001145472.3); c.883C>T, p.Arg295Trp (NM_001308013.2); c.4504C>T, p.Arg1502Trp (NM_144612.7); short protein forms R1502W, R295W, R391W.
Identifiers: ClinVar variation 891651 (VCV000891651.8), dbSNP rs200819355, ClinGen allele CA8952345.
Genomic context (GRCh38, chr18:46,529,203, plus strand): 5'-GGGAAGGAGGGTAAACTCCGTGTGCCCCTCATACCGTTCCTCTCTCGAACTTGTTGGTCC[G>A]GTTCTCTGACTTGCCAAGGTATCGCTCCCCAGTGTCCCCGAGGTCTCCATAGATGGTGAT-3'
Protein context (NP_001371403.1, residues 1492-1512): GERYLGKSEN[Arg1502Trp]TNKFERGTAD